The following is an entry in ClinVar:

NM_001283009.2(RTEL1):c.2996G>C (p.Arg999Thr)

Genes: RTEL1 (regulator of telomere elongation helicase 1; plus strand), RTEL1-TNFRSF6B (RTEL1-TNFRSF6B readthrough (NMD candidate); plus strand). Cytogenetic location: 20q13.33.
Variant type: single nucleotide variant.
Coding change: c.2996G>C on transcript NM_001283009.2 (MANE Select); coding-DNA position 2996, G replaced by C.
Protein change: p.Arg999Thr; replaces arginine 999 with threonine.
Molecular consequence: missense variant. On other transcripts: non-coding transcript variant (1).
Genome position (GRCh38, 1-based): chr20:63,694,375, G>C. VCF-style: chr20-63694375-G-C. GRCh37 (hg19) VCF-style: chr20-62325728-G-C.
Other names: c.2327G>C, p.Arg776Thr (NM_001283010.1); c.2996G>C, p.Arg999Thr (NM_016434.4); c.3068G>C, p.Arg1023Thr (NM_032957.5); short protein forms R776T, R1023T, R999T.
Identifiers: ClinVar variation 3948433 (VCV003948433.1).
Genomic context (GRCh38, chr20:63,694,375, plus strand): 5'-CCAGGGAACTTTCCAGATGCTCTCGACCAGCTTTGTGGCTCTACATCTCTTCATCAGGAA[G>C]AACGGCGCCGGATCCCAAGCTGACCGTGTCCACGGCTGCAGCCCAGCAGCTGGACCCCCA-3'
Protein context (NP_001269938.1, residues 989-1009): RAQPVLDPTG[Arg999Thr]TAPDPKLTVS

ClinVar aggregate classification (germline): Uncertain significance (1 of 4 stars; one submission).

Conditions:
Inborn genetic diseases. Identifiers: MedGen C0950123, MeSH D030342.

Submission:

Ambry Genetics
Classification: Uncertain significance for Inborn genetic diseases. Last evaluated: 2025-05-31. Review status: criteria provided, single submitter. Criteria: Ambry Variant Classification Scheme 2023. Collection method: clinical testing. Allele origin: germline.
Comment: The p.R999T variant (also known as c.2996G>C), located in coding exon 30 of the RTEL1 gene, results from a G to C substitution at nucleotide position 2996. The arginine at codon 999 is replaced by threonine, an amino acid with similar properties. This amino acid position is conserved. In addition, this alteration is predicted to be tolerated by in silico analysis. Based on the available evidence, the clinical significance of this variant remains unclear.